The following is an entry in ClinVar:

NM_001737.5(C9):c.1668del (p.Asn557fs)

Gene: C9 (complement C9; minus strand). Cytogenetic location: 5p13.1.
Variant type: Deletion.
Coding change: c.1668del on transcript NM_001737.5 (MANE Select); coding-DNA position 1668, one base deleted (C; older notation c.1668delC).
Protein change: p.Asn557fs; shifts the reading frame from asparagine 557.
Molecular consequence: frameshift variant.
Genome position (GRCh38, 1-based): chr5:39,285,211, G deleted on the plus strand (C on the coding strand, the reverse complement: C9 is on the minus strand); the first of 4 consecutive G bases (chr5:39,285,211-39,285,214); deleting any one gives the same sequence. VCF-style (leftmost placement, unchanged base first): chr5-39285210-TG-T. GRCh37 (hg19) VCF-style: chr5-39285312-TG-T.
Other names: short protein forms N557fs.
Identifiers: ClinVar variation 2132207 (VCV002132207.4), dbSNP rs2479151568, ClinGen allele CA2580073276.
Genomic context (GRCh38, chr5:39,285,210, plus strand): 5'-AGGTACTAGTGTTTTCTTCTTCCACTGGAGCTCAGAGAAGCCAACAGCTCTATTTTTCAT[TG>T]GGGAACTCTAGGGCTGGCAATCCTAGAGAAAACAAATAAGTATCAAATCTTAATCATCAA-3'

ClinVar aggregate classification (germline): Uncertain significance (1 of 4 stars; one submission).

Submission:

Labcorp Genetics (formerly Invitae), Labcorp
Classification: Uncertain significance. Last evaluated: 2024-10-16. Review status: criteria provided, single submitter. Criteria: Invitae Variant Classification Sherloc (09022015). Collection method: clinical testing. Allele origin: germline.
Comment: This sequence change results in a frameshift in the C9 gene (p.Asn557Metfs*46). While this is not anticipated to result in nonsense mediated decay, it is expected to disrupt the last 3 amino acid(s) of the C9 protein and extend the protein by 42 additional amino acid residues. This variant is not present in population databases (gnomAD no frequency). This variant has not been reported in the literature in individuals affected with C9-related conditions. ClinVar contains an entry for this variant (Variation ID: 2132207). Experimental studies and prediction algorithms are not available or were not evaluated, and the functional significance of this variant is currently unknown. In summary, the available evidence is currently insufficient to determine the role of this variant in disease. Therefore, it has been classified as a Variant of Uncertain Significance.